The following is an entry in ClinVar:

ClinVar aggregate classification (germline): Likely pathogenic (1 of 4 stars; one submission).

Conditions:
Dilated cardiomyopathy 1G (CMD1G). Identifiers: Orphanet 154, MedGen C1858763, MONDO:0011400, OMIM 604145.
Autosomal recessive limb-girdle muscular dystrophy type 2J (LGMDR10). Also called: Limb-girdle muscular dystrophy, type 2J; MUSCULAR DYSTROPHY, LIMB-GIRDLE, AUTOSOMAL RECESSIVE 10. Identifiers: Orphanet 140922, MedGen C1837342, MONDO:0012127, OMIM 608807.

Submission:

Labcorp Genetics (formerly Invitae), Labcorp
Classification: Likely pathogenic for Dilated cardiomyopathy 1G; Autosomal recessive limb-girdle muscular dystrophy type 2J. Last evaluated: 2022-03-16. Review status: criteria provided, single submitter. Criteria: Invitae Variant Classification Sherloc (09022015). Collection method: clinical testing. Allele origin: germline.
Comment: In summary, the currently available evidence indicates that the variant is pathogenic, but additional data are needed to prove that conclusively. Therefore, this variant has been classified as Likely Pathogenic. This variant is located in the A band of TTN (PMID: 25589632). Truncating variants in this region are significantly overrepresented in patients affected with dilated cardiomyopathy (PMID: 25589632). Truncating variants in this region have also been reported in individuals affected with autosomal recessive centronuclear myopathy (PMID: 23975875). Algorithms developed to predict the effect of sequence changes on RNA splicing suggest that this variant may disrupt the consensus splice site. Disruption of this splice site has been observed in individual(s) with cardiomyopathy (Invitae). This variant is not present in population databases (gnomAD no frequency). This sequence change affects the donor splice site and inserts a large fragment of DNA, likely a transposable element, in intron 356 of the TTN gene. It is expected to disrupt RNA splicing and likely results in a truncated or disrupted TTN protein.

Literature cited by the submitters: PubMed 25589632; PubMed 23975875.

NM_001267550.2(TTN):c.100171+1_100171+2insAAGAGTCCATTTGGAGGCAGGAAAATCGCTTCAACCTGGGAGGCAGAGGTTGCAGTGAGCCGAGATTGCACCACTGCACTCCACCCANNNNNNNNNNAAAAAAAAAAAAAAAAAAAA

Genes: TTN-AS1 (TTN antisense RNA 1; plus strand), TTN (titin; minus strand), LOC126806420 (BRD4-independent group 4 enhancer GRCh37_chr2:179401104-179402303; plus strand). Cytogenetic location: 2q31.2.
Variant type: Insertion.
Coding change: c.100171+1_100171+2insAAGAGTCCATTTGGAGGCAGGAAAATCGCTTCAACCTGGGAGGCAGAGGTTGCAGTGAGCCGAGATTGCACCACTGCACTCCACCCANNNNNNNNNNAAAAAAAAAAAAAAAAAAAA on transcript NM_001267550.2 (MANE Select); the canonical splice donor site of the intron after coding-DNA position 100171, AAGAGTCCATTTGGAGGCAGGAAAATCGCTTCAACCTGGGAGGCAGAGGTTGCAGTGAGCCGAGATTGCACCACTGCACTCCACCCANNNNNNNNNNAAAAAAAAAAAAAAAAAAAA inserted.
Molecular consequence: splice donor variant.
Genome position: GRCh38: chr2:178,536,950-178,536,951. GRCh37 (hg19): chr2:179,401,677-179,401,678.
Other names: c.72976+1_72976+2insAAGAGTCCATTTGGAGGCAGGAAAATCGCTTCAACCTGGGAGGCAGAGGTTGCAGTGAGCCGAGATTGCACCACTGCACTCCACCCANNNNNNNNNNAAAAAAAAAAAAAAAAAAAA (NM_003319.4); c.73552+1_73552+2insAAGAGTCCATTTGGAGGCAGGAAAATCGCTTCAACCTGGGAGGCAGAGGTTGCAGTGAGCCGAGATTGCACCACTGCACTCCACCCANNNNNNNNNNAAAAAAAAAAAAAAAAAAAA (NM_133437.4); c.73351+1_73351+2insAAGAGTCCATTTGGAGGCAGGAAAATCGCTTCAACCTGGGAGGCAGAGGTTGCAGTGAGCCGAGATTGCACCACTGCACTCCACCCANNNNNNNNNNAAAAAAAAAAAAAAAAAAAA (NM_133432.3); c.92467+1_92467+2insAAGAGTCCATTTGGAGGCAGGAAAATCGCTTCAACCTGGGAGGCAGAGGTTGCAGTGAGCCGAGATTGCACCACTGCACTCCACCCANNNNNNNNNNAAAAAAAAAAAAAAAAAAAA (NM_133378.4); c.95248+1_95248+2insAAGAGTCCATTTGGAGGCAGGAAAATCGCTTCAACCTGGGAGGCAGAGGTTGCAGTGAGCCGAGATTGCACCACTGCACTCCACCCANNNNNNNNNNAAAAAAAAAAAAAAAAAAAA (NM_001256850.1).
Identifiers: ClinVar variation 2112897 (VCV002112897.4), dbSNP rs2468647881.